The following is an entry in ClinVar:

NM_001128148.3(TFRC):c.1214T>C (p.Val405Ala)

Gene: TFRC (transferrin receptor; minus strand). Cytogenetic location: 3q29.
Variant type: single nucleotide variant.
Coding change: c.1214T>C on transcript NM_001128148.3 (MANE Select); coding-DNA position 1214, T replaced by C.
Protein change: p.Val405Ala; replaces valine 405 with alanine.
Molecular consequence: missense variant.
Genome position (GRCh38, 1-based): chr3:196,064,413, A>G on the plus strand (T>C on the coding strand, the complement: TFRC is on the minus strand). VCF-style: chr3-196064413-A-G. GRCh37 (hg19) VCF-style: chr3-195791284-A-G.
Other names: c.971T>C, p.Val324Ala (NM_001313965.2); c.368T>C, p.Val123Ala (NM_001313966.2); c.1214T>C, p.Val405Ala (NM_003234.4); short protein forms V123A, V324A, V405A.
Identifiers: ClinVar variation 1403935 (VCV001403935.8), dbSNP rs778818874, ClinGen allele CA2777986.

ClinVar aggregate classification (germline): Uncertain significance (1 of 4 stars; one submission).

Allele frequency attached by ClinVar (database versions not stated): ExAC 0.00001; gnomAD exomes 0.00001.
gnomAD v4.1: 19 of 1,600,666 alleles (0.0012%); highest among the groups gnomAD compares: Non-Finnish European, 0.0014%; no homozygotes.

Submission:

Labcorp Genetics (formerly Invitae), Labcorp
Classification: Uncertain significance. Last evaluated: 2024-10-28. Review status: criteria provided, single submitter. Criteria: Invitae Variant Classification Sherloc (09022015). Collection method: clinical testing. Allele origin: germline.
Comment: This sequence change replaces valine, which is neutral and non-polar, with alanine, which is neutral and non-polar, at codon 405 of the TFRC protein (p.Val405Ala). This variant is present in population databases (rs778818874, gnomAD 0.005%). This variant has not been reported in the literature in individuals affected with TFRC-related conditions. ClinVar contains an entry for this variant (Variation ID: 1403935). Invitae Evidence Modeling of protein sequence and biophysical properties (such as structural, functional, and spatial information, amino acid conservation, physicochemical variation, residue mobility, and thermodynamic stability) indicates that this missense variant is not expected to disrupt TFRC protein function with a negative predictive value of 80%. In summary, the available evidence is currently insufficient to determine the role of this variant in disease. Therefore, it has been classified as a Variant of Uncertain Significance.